The following is an entry in ClinVar:

NM_145178.4(ATOH7):c.362del (p.Tyr121fs)

Gene: ATOH7 (atonal bHLH transcription factor 7; minus strand). Cytogenetic location: 10q21.3.
Variant type: Deletion.
Coding change: c.362del on transcript NM_145178.4 (MANE Select); coding-DNA position 362, one base deleted (A; older notation c.362delA).
Protein change: p.Tyr121fs; shifts the reading frame from tyrosine 121.
Molecular consequence: frameshift variant.
Genome position (GRCh38, 1-based): chr10:68,231,316, T deleted on the plus strand (A on the coding strand, the reverse complement: ATOH7 is on the minus strand). VCF-style (leftmost placement, unchanged base first): chr10-68231315-GT-G. GRCh37 (hg19) VCF-style: chr10-69991072-GT-G.
Other names: short protein forms Y121fs.
Identifiers: ClinVar variation 1351089 (VCV001351089.6), dbSNP rs2134380243, ClinGen allele CA2573145337.
Genomic context (GRCh38, chr10:68,231,315, plus strand): 5'-GAAGAGTCTCTGGCTGTACAGCTCGCTCTCGCCCGGCAGCTTCGCGCCCGGGAACGGGAG[GT>G]AGTGGTCGCGGCCGAAGTGCTCACAGTGGAGACCCACCCAGTCCCGCTCCGAGCCGAATC-3'

ClinVar aggregate classification (germline): Uncertain significance (1 of 4 stars; one submission).

Submission:

Labcorp Genetics (formerly Invitae), Labcorp
Classification: Uncertain significance. Last evaluated: 2022-03-15. Review status: criteria provided, single submitter. Criteria: Invitae Variant Classification Sherloc (09022015). Collection method: clinical testing. Allele origin: germline.
Comment: This sequence change results in a frameshift in the ATOH7 gene (p.Tyr121Serfs*73). While this is not anticipated to result in nonsense mediated decay, it is expected to disrupt the last 32 amino acid(s) of the ATOH7 protein and extend the protein by 40 additional amino acid residues. This variant is not present in population databases (gnomAD no frequency). This variant has not been reported in the literature in individuals affected with ATOH7-related conditions. Experimental studies and prediction algorithms are not available or were not evaluated, and the functional significance of this variant is currently unknown. In summary, the available evidence is currently insufficient to determine the role of this variant in disease. Therefore, it has been classified as a Variant of Uncertain Significance.